The following is an entry in ClinVar:

ClinVar aggregate classification (germline): Benign (1 of 4 stars; one submission).

Allele frequency attached by ClinVar (database versions not stated): 1000 Genomes Project 0.00339; 1000 Genomes Project 30x 0.00406; TOPMed 0.00655; ExAC 0.00712; ESP Exome Variant Server 0.00961.
gnomAD v4.1: 16,004 of 1,614,138 alleles (0.99%); highest among the groups gnomAD compares: Non-Finnish European, 1.2%; 123 homozygotes.

Submission:

CeGaT Center for Human Genetics Tuebingen
Classification: Benign. Last evaluated: 2023-01-01. Review status: criteria provided, single submitter. Criteria: CeGaT Center For Human Genetics Tuebingen Variant Classification Criteria Version 2. Collection method: clinical testing. Allele origin: germline. Affected: yes. Observed: 1 variant allele.
Comment: INTS5: BP4, BP7, BS1, BS2

NM_030628.2(INTS5):c.693C>T (p.Gly231=)

Gene: INTS5 (integrator complex subunit 5; minus strand). Cytogenetic location: 11q12.3.
Variant type: single nucleotide variant.
Coding change: c.693C>T on transcript NM_030628.2 (MANE Select); coding-DNA position 693, C replaced by T.
Protein change: p.Gly231=; no amino-acid change (glycine 231 retained).
Molecular consequence: synonymous variant.
Genome position (GRCh38, 1-based): chr11:62,649,387, G>A on the plus strand (C>T on the coding strand, the complement: INTS5 is on the minus strand). VCF-style: chr11-62649387-G-A. GRCh37 (hg19) VCF-style: chr11-62416859-G-A.
Identifiers: ClinVar variation 2641888 (VCV002641888.24), dbSNP rs117991865, ClinGen allele CA6051728.
Genomic context (GRCh38, chr11:62,649,387, plus strand): 5'-ACAAAAGTCCTTAAGGCCACAGGAGAGAACCCGGGAAATGATGGTGCCAGGAAAAGAGGA[G>A]CCAATATGTGCCACAACCCAGTCAAAGTGTGGAGAATGCTGAACAGAGGTATCCAGCAAG-3'
Protein context (NP_085131.1, residues 221-241): PHFDWVVAHI[Gly231=]SSFPGTIISR